The following is an entry in ClinVar:

ClinVar aggregate classification (germline): Conflicting classifications of pathogenicity. Review status: criteria provided, conflicting classifications (1 of 4 stars). 3 submissions from 3 submitters: Pathogenic (1); Uncertain significance (1). 1 of the submissions does not count toward it. Last evaluated 2025-12-02.

Conditions:
Anauxetic dysplasia. Identifiers: Orphanet 93347, MedGen C1846796, MONDO:0011773.
Anauxetic dysplasia 1 (ANXD1). Also called: Anauxetic Dysplasia (AD). Identifiers: Orphanet 93347, MedGen C4551965, MONDO:0054560, OMIM 607095.

Submissions (3):

Labcorp Genetics (formerly Invitae), Labcorp
Classification: Pathogenic for Anauxetic dysplasia. Last evaluated: 2025-12-02. Review status: criteria provided, single submitter. Criteria: Invitae Variant Classification Sherloc (09022015). Collection method: clinical testing. Allele origin: germline.
Comment: This variant occurs in the RMRP gene, which encodes an RNA molecule that does not result in a protein product. Information on the frequency of this variant in the gnomAD database is not available, as this variant may be reported differently in the database. This variant has been observed in individual(s) with autosomal recessive anauxetic dysplasia (PMID: 16252239). In at least one individual the data is consistent with being in trans (on the opposite chromosome) from a pathogenic variant. It has also been observed to segregate with disease in related individuals. This variant is also known as +90_91AG>GC. ClinVar contains an entry for this variant (Variation ID: 14227). Algorithms developed to predict the effect of variants on gene product structure and function are not available or were not evaluated for this variant. Experimental studies have shown that this variant affects RMRP function (PMID: 16252239, 17701897). For these reasons, this variant has been classified as Pathogenic.

Women's Health and Genetics/Laboratory Corporation of America, LabCorp
Classification: Uncertain significance. Last evaluated: 2024-07-09. Review status: criteria provided, single submitter. Criteria: LabCorp Variant Classification Summary - May 2015. Collection method: clinical testing. Allele origin: germline.
Comment: Variant summary: RMRP n.91_92delinsGC alters a nucleotide in the non-coding RNA. The variant was absent in 161898 control chromosomes (gnomAD). n.91_92delinsGC has been reported in the literature in individuals affected with anauxetic dysplasia (Thiel_2005). These data indicate that the variant may be associated with disease. At least one publication reports experimental evidence evaluating an impact on protein function, finding that the variant results in impaired rRNA cleavage activity (Thiel_2007). The following publications have been ascertained in the context of this evaluation (PMID: 16252239, 17701897). ClinVar contains an entry for this variant (Variation ID: 14227). Based on the evidence outlined above, the variant was classified as VUS-possibly pathogenic.

OMIM
Classification: Pathogenic for ANAUXETIC DYSPLASIA 1. Last evaluated: 2005-11-01. Review status: no assertion criteria provided. Collection method: literature only. Allele origin: germline. Not counted in ClinVar's aggregate classification.

Literature cited by the submitters: PubMed 16252239 (cited by 3 submitters); PubMed 17701897 (cited by Labcorp Genetics (formerly Invitae), Labcorp and Women's Health and Genetics/Laboratory Corporation of America, LabCorp); PubMed 11370632 (cited by OMIM).

NR_003051.4(RMRP):n.92_93delAGinsGC

Gene: RMRP (RNA component of mitochondrial RNA processing endoribonuclease; minus strand). Cytogenetic location: 9p13.3.
Variant type: Indel.
Genome position: GRCh38 VCF-style: chr9-35657927-CT-GC. GRCh37 (hg19) VCF-style: chr9-35657924-CT-GC.
Identifiers: ClinVar variation 14227 (VCV000014227.6), dbSNP rs387906533, ClinGen allele CA257188.